The following is an entry in ClinVar:

NM_002103.5(GYS1):c.685G>A (p.Val229Met)

Gene: GYS1 (glycogen synthase 1; minus strand). Cytogenetic location: 19q13.33.
Variant type: single nucleotide variant.
Coding change: c.685G>A on transcript NM_002103.5 (MANE Select); coding-DNA position 685, G replaced by A.
Protein change: p.Val229Met; replaces valine 229 with methionine.
Molecular consequence: missense variant. On other transcripts: non-coding transcript variant (1).
Genome position (GRCh38, 1-based): chr19:48,985,599, C>T on the plus strand (G>A on the coding strand, the complement: GYS1 is on the minus strand). VCF-style: chr19-48985599-C-T. GRCh37 (hg19) VCF-style: chr19-49488856-C-T.
Other names: p.Val229Met; c.493G>A, p.Val165Met (NM_001161587.2); short protein forms V229M, V165M.
Identifiers: ClinVar variation 2382117 (VCV002382117.3), dbSNP rs764428083, ClinGen allele CA9563244.

ClinVar aggregate classification (germline): Uncertain significance. Review status: criteria provided, multiple submitters, no conflicts (2 of 4 stars). 2 submissions from 2 submitters: Uncertain significance (2). Last evaluated 2025-09-29.

Conditions:
Inborn genetic diseases. Identifiers: MedGen C0950123, MeSH D030342.

Allele frequency attached by ClinVar (database versions not stated): ExAC 0.00001; gnomAD 0.00001; gnomAD exomes 0.00002; TOPMed 0.00002.

Submissions (2):

Mayo Clinic Laboratories, Mayo Clinic
Classification: Uncertain significance. Last evaluated: 2025-09-29. Review status: criteria provided, single submitter. Criteria: ACMG Guidelines, 2015. Collection method: clinical testing. Allele origin: germline. Observed: 1 variant allele.
Comment: PM2_supporting

Ambry Genetics
Classification: Uncertain significance for Inborn genetic diseases. Last evaluated: 2022-11-08. Review status: criteria provided, single submitter. Criteria: Ambry Variant Classification Scheme 2023. Collection method: clinical testing. Allele origin: germline.